The following is an entry in ClinVar:

ClinVar aggregate classification (germline): Uncertain significance (1 of 4 stars; one submission).

Submission:

GeneDx
Classification: Uncertain significance. Last evaluated: 2026-10-02. Review status: criteria provided, single submitter. Criteria: GeneDx Variant Classification Process June 2021. Collection method: clinical testing. Allele origin: germline.
Comment: Not observed at significant frequency in large population cohorts (gnomAD); In silico analysis suggests that this missense variant does not alter protein structure/function; Has not been previously published as pathogenic or benign to our knowledge

NM_001005273.3(CHD3):c.103A>G (p.Lys35Glu)

Gene: CHD3 (chromodomain helicase DNA binding protein 3; plus strand). Cytogenetic location: 17p13.1.
Variant type: single nucleotide variant.
Coding change: c.103A>G on transcript NM_001005273.3 (MANE Select); coding-DNA position 103, A replaced by G.
Protein change: p.Lys35Glu; replaces lysine 35 with glutamic acid.
Molecular consequence: missense variant.
Genome position (GRCh38, 1-based): chr17:7,889,666, A>G. VCF-style: chr17-7889666-A-G. GRCh37 (hg19) VCF-style: chr17-7792984-A-G.
Other names: c.280A>G, p.Lys94Glu (NM_001005271.3); c.103A>G, p.Lys35Glu (NM_005852.4); short protein forms K35E, K94E.
Identifiers: ClinVar variation 3602906 (VCV003602906.2).
Genomic context (GRCh38, chr17:7,889,666, plus strand): 5'-GGGCCTCAGAGGCTGGAAACCTAGAGGCTTAGGTTTTCTGATGCTTTTTGCTTCAAAGAT[A>G]AGGATGACATTCGGCTGCTGCCGTCAGCATTGGGTGTGAAGAAGAGAAAACGAGGACCCA-3'
Protein context (NP_001005273.1, residues 25-45): GLCWGDRMPD[Lys35Glu]DDIRLLPSAL